The following is an entry in ClinVar:

NM_024753.5(TTC21B):c.3644T>C (p.Met1215Thr)

Gene: TTC21B (tetratricopeptide repeat domain 21B; minus strand). Cytogenetic location: 2q24.3.
Variant type: single nucleotide variant.
Coding change: c.3644T>C on transcript NM_024753.5 (MANE Select); coding-DNA position 3644, T replaced by C.
Protein change: p.Met1215Thr; replaces methionine 1215 with threonine.
Molecular consequence: missense variant.
Genome position (GRCh38, 1-based): chr2:165,883,834, A>G on the plus strand (T>C on the coding strand, the complement: TTC21B is on the minus strand). VCF-style: chr2-165883834-A-G. GRCh37 (hg19) VCF-style: chr2-166740344-A-G.
Other names: short protein forms M1215T.
Identifiers: ClinVar variation 2047903 (VCV002047903.3), dbSNP rs774283432, ClinGen allele CA1941460.
Genomic context (GRCh38, chr2:165,883,834, plus strand): 5'-TTTACTCTTCAATCACCTACTCTATTATGACGCAGGCACCGTTTTAACAGGTCTTCTGCC[A>G]TGTCATATTTTGCTGATTGAATGTAAATATCAGCAAGTAGCAGCCAACTCTTCTCAAACT-3'
Protein context (NP_079029.3, residues 1205-1225): DIYIQSAKYD[Met1215Thr]AEDLLKRCLR

ClinVar aggregate classification (germline): Uncertain significance (1 of 4 stars; one submission).

Conditions:
Jeune thoracic dystrophy. Also called: Jeune syndrome; Infantile thoracic dystrophy; Thoracic pelvic phalangeal dystrophy; Jeune's syndrome; Chondroectodermal dysplasia-like syndrome; Short-rib thoracic dysplasia. Identifiers: Orphanet 474, MedGen C0265275, MONDO:0018770.
Nephronophthisis. Also called: Juvenile Nephronophthisis. Identifiers: Orphanet 655, MedGen C0687120, MONDO:0019005, HP:0000090.

Allele frequency attached by ClinVar (database versions not stated): gnomAD 0.00001; gnomAD exomes 0.00001; TOPMed 0.00001; ExAC 0.00002.

Submission:

Labcorp Genetics (formerly Invitae), Labcorp
Classification: Uncertain significance for Jeune thoracic dystrophy; Nephronophthisis. Last evaluated: 2022-06-14. Review status: criteria provided, single submitter. Criteria: Invitae Variant Classification Sherloc (09022015). Collection method: clinical testing. Allele origin: germline.
Comment: In summary, the available evidence is currently insufficient to determine the role of this variant in disease. Therefore, it has been classified as a Variant of Uncertain Significance. Algorithms developed to predict the effect of missense changes on protein structure and function (SIFT, PolyPhen-2, Align-GVGD) all suggest that this variant is likely to be tolerated. This variant has not been reported in the literature in individuals affected with TTC21B-related conditions. This variant is present in population databases (rs774283432, gnomAD 0.03%). This sequence change replaces methionine, which is neutral and non-polar, with threonine, which is neutral and polar, at codon 1215 of the TTC21B protein (p.Met1215Thr).